The following is an entry in ClinVar:

NM_002485.5(NBN):c.544A>G (p.Lys182Glu)

Gene: NBN (nibrin; minus strand). Cytogenetic location: 8q21.3.
Variant type: single nucleotide variant.
Coding change: c.544A>G on transcript NM_002485.5 (MANE Select); coding-DNA position 544, A replaced by G.
Protein change: p.Lys182Glu; replaces lysine 182 with glutamic acid.
Molecular consequence: missense variant.
Genome position (GRCh38, 1-based): chr8:89,978,260, T>C on the plus strand (A>G on the coding strand, the complement: NBN is on the minus strand). VCF-style: chr8-89978260-T-C. GRCh37 (hg19) VCF-style: chr8-90990488-T-C.
Other names: c.298A>G, p.Lys100Glu (NM_001024688.3); short protein forms K182E, K100E.
Identifiers: ClinVar variation 418373 (VCV000418373.2), dbSNP rs1064793211, ClinGen allele CA16618706.
Genomic context (GRCh38, chr8:89,978,260, plus strand): 5'-ATTTAAAATACATAATATACCTTTCAATTTGTGGAGGCTGCTTCTTGGACTCAACTGCTT[T>C]CAGGAATTCAGTAAAATATTCTGGCTTTACAATTGGACGTCCACAAATGAGTGCACATAT-3'
Protein context (NP_002476.2, residues 172-192): VKPEYFTEFL[Lys182Glu]AVESKKQPPQ

ClinVar aggregate classification (germline): Uncertain significance (1 of 4 stars; one submission).

Submission:

GeneDx
Classification: Uncertain significance. Last evaluated: 2015-03-01. Review status: criteria provided, single submitter. Criteria: GeneDx Variant Classification (06012015). Collection method: clinical testing. Allele origin: germline. Affected: yes.
Comment: This variant is denoted NBN c.544A>G at the cDNA level, p.Lys182Glu (K182E) at the protein level, and results in the change of a Lysine to a Glutamic Acid (AAA>GAA). This variant has not, to our knowledge, been published in the literature as pathogenic or benign. NBN Lys182Glu was not observed in approximately 6,500 individuals of European and African American ancestry in the NHLBI Exome Sequencing Project, indicating it is not a common benign variant in these populations. Since Lysine and Glutamic Acid differ in polarity, charge, size or other properties, this is considered a non-conservative amino acid substitution. NBN Lys182Glu occurs at a position that is moderately conserved across species and is located within the region that mediates interaction with SP100 (UniProt). In silico analyses predict that this variant is probably damaging to protein structure and function. Based on currently available information, it is unclear whether NBN Lys182Glu is pathogenic or benign. We consider it to be a variant of uncertain significance.